The following is an entry in ClinVar:

ClinVar aggregate classification (germline): Uncertain significance (1 of 4 stars; one submission).

gnomAD v4.1: 11 of 1,614,216 alleles (0.00068%); highest among the groups gnomAD compares: Non-Finnish European, 0.00093%; no homozygotes.

Submission:

GeneDx
Classification: Uncertain significance. Last evaluated: 2019-08-14. Review status: criteria provided, single submitter. Criteria: GeneDx Variant Classification Process June 2021. Collection method: clinical testing. Allele origin: germline. Affected: yes.
Comment: Missense variants in this gene are often considered pathogenic (Stenson et al., 2014); In silico analysis, which includes protein predictors and evolutionary conservation, supports that this variant does not alter protein structure/function; Has not been previously published as pathogenic or benign to our knowledge

NM_170665.4(ATP2A2):c.1522A>G (p.Met508Val)

Gene: ATP2A2 (ATPase sarcoplasmic/endoplasmic reticulum Ca2+ transporting 2; plus strand). Cytogenetic location: 12q24.11.
Variant type: single nucleotide variant.
Coding change: c.1522A>G on transcript NM_170665.4 (MANE Select); coding-DNA position 1522, A replaced by G.
Protein change: p.Met508Val; replaces methionine 508 with valine.
Molecular consequence: missense variant.
Genome position (GRCh38, 1-based): chr12:110,339,383, A>G. VCF-style: chr12-110339383-A-G. GRCh37 (hg19) VCF-style: chr12-110777188-A-G.
Other names: c.1522A>G, p.Met508Val (NM_001681.4); short protein forms M508V.
Identifiers: ClinVar variation 1216252 (VCV001216252.3), dbSNP rs772144757, ClinGen allele CA386672520.